The following is an entry in ClinVar:

NC_000001.10:g.(?_156084710)_(156085085_?)del

Gene: LMNA (lamin A/C; plus strand). Cytogenetic location: 1q22.
Variant type: Deletion.
Identifiers: ClinVar variation 1457138 (VCV001457138.5).

ClinVar aggregate classification (germline): Pathogenic (1 of 4 stars; one submission).

Conditions:
Charcot-Marie-Tooth disease type 2. Also called: Charcot-Marie-Tooth type 2. Identifiers: Orphanet 64746, MedGen C0270914, MONDO:0018993.

Submission:

Labcorp Genetics (formerly Invitae), Labcorp
Classification: Pathogenic for Charcot-Marie-Tooth disease type 2. Last evaluated: 2023-05-10. Review status: criteria provided, single submitter. Criteria: Invitae Variant Classification Sherloc (09022015). Collection method: clinical testing. Allele origin: germline.
Comment: For these reasons, this variant has been classified as Pathogenic. A similar copy number variant has been observed in individual(s) with cardiac conduction defect and/or dilated cardiomyopathy (PMID: 16407522, 17599607, 27066507). It has also been observed to segregate with disease in related individuals. This variant is a gross deletion of the genomic region encompassing exon(s) 1 of the LMNA gene, which includes the initiator codon. This deletion extends beyond the assayed region for this gene and therefore may encompass additional genes. It is expected to result in an absent or disrupted protein product. Loss-of-function variants in LMNA are known to be pathogenic (PMID: 18585512, 18926329).

Literature cited by the submitters: PubMed 16407522; PubMed 17599607; PubMed 27066507; PubMed 18585512; PubMed 18926329.